The following is an entry in ClinVar:

NM_001040108.2(MLH3):c.1285G>C (p.Glu429Gln)

Gene: MLH3 (mutL homolog 3; minus strand). Cytogenetic location: 14q24.3.
Variant type: single nucleotide variant.
Coding change: c.1285G>C on transcript NM_001040108.2 (MANE Select); coding-DNA position 1285, G replaced by C.
Protein change: p.Glu429Gln; replaces glutamic acid 429 with glutamine.
Molecular consequence: missense variant.
Genome position (GRCh38, 1-based): chr14:75,048,371, C>G on the plus strand (G>C on the coding strand, the complement: MLH3 is on the minus strand). VCF-style: chr14-75048371-C-G. GRCh37 (hg19) VCF-style: chr14-75515074-C-G.
Other names: c.1285G>C, p.Glu429Gln (NM_014381.3); short protein forms E429Q.
Identifiers: ClinVar variation 3873543 (VCV003873543.1).

ClinVar aggregate classification (germline): Uncertain significance (1 of 4 stars; one submission).

Submission:

Ambry Genetics
Classification: Uncertain significance. Last evaluated: 2025-03-08. Review status: criteria provided, single submitter. Criteria: Ambry Variant Classification Scheme 2023. Collection method: clinical testing. Allele origin: germline.
Comment: The p.E429Q variant (also known as c.1285G>C), located in coding exon 1 of the MLH3 gene, results from a G to C substitution at nucleotide position 1285. The glutamic acid at codon 429 is replaced by glutamine, an amino acid with highly similar properties. This amino acid position is conserved. In addition, this alteration is predicted to be tolerated by in silico analysis. Based on the available evidence, the clinical significance of this variant remains unclear.